The following is an entry in ClinVar:

NM_000293.3(PHKB):c.2534G>C (p.Arg845Thr)

Gene: PHKB (phosphorylase kinase regulatory subunit beta; plus strand). Cytogenetic location: 16q12.1.
Variant type: single nucleotide variant.
Coding change: c.2534G>C on transcript NM_000293.3 (MANE Select); coding-DNA position 2534, G replaced by C.
Protein change: p.Arg845Thr; replaces arginine 845 with threonine.
Molecular consequence: missense variant.
Genome position (GRCh38, 1-based): chr16:47,669,321, G>C. VCF-style: chr16-47669321-G-C. GRCh37 (hg19) VCF-style: chr16-47703232-G-C.
Other names: c.2513G>C, p.Arg838Thr (NM_001031835.3); c.2534G>C, p.Arg845Thr (NM_001363837.1); short protein forms R838T, R845T.
Identifiers: ClinVar variation 2166889 (VCV002166889.1), dbSNP rs762116229, ClinGen allele CA8041266.

ClinVar aggregate classification (germline): Uncertain significance (1 of 4 stars; one submission).

Conditions:
Glycogen storage disease IXb (GSD9B). Also called: PHOSPHORYLASE KINASE DEFICIENCY OF LIVER AND MUSCLE, AUTOSOMAL RECESSIVE; GLYCOGENOSIS OF LIVER AND MUSCLE, AUTOSOMAL RECESSIVE; GSD IXb. Identifiers: Orphanet 79240, MedGen C0543514, MONDO:0009868, OMIM 261750.

Allele frequency attached by ClinVar (database versions not stated): gnomAD 0.00001; TOPMed 0.00001; ExAC 0.00002.
gnomAD v4.1: 9 of 1,613,962 alleles (0.00056%); highest among the groups gnomAD compares: Admixed American, 0.015%; no homozygotes.

Submission:

Labcorp Genetics (formerly Invitae), Labcorp
Classification: Uncertain significance for Glycogen storage disease IXb. Last evaluated: 2022-07-15. Review status: criteria provided, single submitter. Criteria: Invitae Variant Classification Sherloc (09022015). Collection method: clinical testing. Allele origin: germline.
Comment: This sequence change replaces arginine, which is basic and polar, with threonine, which is neutral and polar, at codon 845 of the PHKB protein (p.Arg845Thr). This variant is present in population databases (rs762116229, gnomAD 0.01%). This variant has not been reported in the literature in individuals affected with PHKB-related conditions. Algorithms developed to predict the effect of missense changes on protein structure and function are either unavailable or do not agree on the potential impact of this missense change (SIFT: "Tolerated"; PolyPhen-2: "Probably Damaging"; Align-GVGD: "Class C0"). In summary, the available evidence is currently insufficient to determine the role of this variant in disease. Therefore, it has been classified as a Variant of Uncertain Significance.